The following is an entry in ClinVar:

ClinVar aggregate classification (germline): Uncertain significance (1 of 4 stars; one submission).

Submission:

Women's Health and Genetics/Laboratory Corporation of America, LabCorp
Classification: Uncertain significance. Last evaluated: 2019-12-16. Review status: criteria provided, single submitter. Criteria: LabCorp Variant Classification Summary - May 2015. Collection method: clinical testing. Allele origin: germline.
Comment: Variant summary: FBN1 c.4409G>T (p.Cys1470Phe) results in a non-conservative amino acid change located in the EGF-like calcium-binding domain (IPR001881) of the encoded protein sequence. Five of five in-silico tools predict a damaging effect of the variant on protein function. The variant was absent in 251314 control chromosomes (gnomAD). The available data on variant occurrences in the general population are insufficient to allow any conclusion about variant significance. To our knowledge, no occurrence of c.4409G>T in individuals affected with Aortopathy and no experimental evidence demonstrating its impact on protein function have been reported. No clinical diagnostic laboratories have submitted clinical-significance assessments for this variant to ClinVar after 2014. Based on the evidence outlined above, the variant was classified as uncertain significance.

NM_000138.5(FBN1):c.4409G>T (p.Cys1470Phe)

Gene: FBN1 (fibrillin 1; minus strand). Cytogenetic location: 15q21.1.
Variant type: single nucleotide variant.
Coding change: c.4409G>T on transcript NM_000138.5 (MANE Select); coding-DNA position 4409, G replaced by T.
Protein change: p.Cys1470Phe; replaces cysteine 1470 with phenylalanine.
Molecular consequence: missense variant.
Genome position (GRCh38, 1-based): chr15:48,470,684, C>A on the plus strand (G>T on the coding strand, the complement: FBN1 is on the minus strand). VCF-style: chr15-48470684-C-A. GRCh37 (hg19) VCF-style: chr15-48762881-C-A.
Other names: short protein forms C1470F.
Identifiers: ClinVar variation 929148 (VCV000929148.1), dbSNP rs2043365537, ClinGen allele CA392354485.